The following is an entry in ClinVar:

ClinVar aggregate classification (germline): Uncertain significance (1 of 4 stars; one submission).

Conditions:
Congenital sideroblastic anemia-B-cell immunodeficiency-periodic fever-developmental delay syndrome. Also called: Sideroblastic anemia with B-cell immunodeficiency, periodic fevers, and developmental delay. Identifiers: Orphanet 369861, MedGen C4015172, MONDO:0014487, OMIM 616084.

Allele frequency attached by ClinVar (database versions not stated): gnomAD exomes below 0.00001; ExAC 0.00001.
gnomAD v4.1: 2 of 1,613,256 alleles (0.00012%); highest among the groups gnomAD compares: Non-Finnish European, 0.00017%; no homozygotes.

Submission:

Labcorp Genetics (formerly Invitae), Labcorp
Classification: Uncertain significance for Congenital sideroblastic anemia-B-cell immunodeficiency-periodic fever-developmental delay syndrome. Last evaluated: 2025-06-02. Review status: criteria provided, single submitter. Criteria: Invitae Variant Classification Sherloc (09022015). Collection method: clinical testing. Allele origin: germline.
Comment: This sequence change replaces isoleucine, which is neutral and non-polar, with valine, which is neutral and non-polar, at codon 258 of the TRNT1 protein (p.Ile258Val). This variant is present in population databases (rs769964961, gnomAD 0.0009%). This variant has not been reported in the literature in individuals affected with TRNT1-related conditions. ClinVar contains an entry for this variant (Variation ID: 948728). Invitae Evidence Modeling of protein sequence and biophysical properties (such as structural, functional, and spatial information, amino acid conservation, physicochemical variation, residue mobility, and thermodynamic stability) indicates that this missense variant is not expected to disrupt TRNT1 protein function with a negative predictive value of 80%. In summary, the available evidence is currently insufficient to determine the role of this variant in disease. Therefore, it has been classified as a Variant of Uncertain Significance.

NM_182916.3(TRNT1):c.772A>G (p.Ile258Val)

Gene: TRNT1 (tRNA nucleotidyl transferase 1; plus strand). Cytogenetic location: 3p26.2.
Variant type: single nucleotide variant.
Coding change: c.772A>G on transcript NM_182916.3 (MANE Select); coding-DNA position 772, A replaced by G.
Protein change: p.Ile258Val; replaces isoleucine 258 with valine.
Molecular consequence: missense variant. On other transcripts: non-coding transcript variant (6), intron variant (1).
Genome position (GRCh38, 1-based): chr3:3,146,593, A>G. VCF-style: chr3-3146593-A-G. GRCh37 (hg19) VCF-style: chr3-3188277-A-G.
Other names: c.772A>G, p.Ile258Val (NM_001367321.1, NM_001367322.1, NM_001367323.1); c.742+30A>G (NM_001302946.2); short protein forms I258V.
Identifiers: ClinVar variation 948728 (VCV000948728.4), dbSNP rs769964961, ClinGen allele CA2228771.